The following is an entry in ClinVar:

ClinVar aggregate classification (germline): Conflicting classifications of pathogenicity. Review status: criteria provided, conflicting classifications (1 of 4 stars). 16 submissions from 15 submitters: Uncertain significance (1); Benign (3); Likely benign (10). 2 of the submissions do not count toward it. Last evaluated 2026-08-01.

Conditions:
RYR2-related disorder. Also called: RYR2-related condition.
Cardiovascular phenotype. Identifiers: MedGen CN230736.
Cardiomyopathy (CMYO). Also called: Cardiomyopathies. Identifiers: Orphanet 167848, MedGen C0878544, MONDO:0004994, HP:0001638. Inheritance: Various modes of inheritance.
Catecholaminergic polymorphic ventricular tachycardia 1. Also called: VENTRICULAR TACHYCARDIA, STRESS-INDUCED POLYMORPHIC 1; VENTRICULAR TACHYCARDIA, CATECHOLAMINERGIC POLYMORPHIC, 1, WITH OR WITHOUT ATRIAL DYSFUNCTION AND/OR DILATED CARDIOMYOPATHY; RYR2-Related Catecholaminergic Polymorphic Ventricular Tachycardia. Identifiers: Orphanet 3286, MedGen C1631597, MONDO:0011484, OMIM 604772.
Arrhythmogenic right ventricular dysplasia 2. Identifiers: MedGen C1832931.

Allele frequency attached by ClinVar (database versions not stated): ESP Exome Variant Server 0.00026; gnomAD 0.00028 and 0.00029; gnomAD exomes 0.00034 and 0.00054; TOPMed 0.00039; 1000 Genomes Project 30x 0.00047; 1000 Genomes Project 0.00060; ExAC 0.00095.
gnomAD v4.1: 512 of 1,533,892 alleles (0.033%); highest among the groups gnomAD compares: Middle Eastern, 0.37%; 3 homozygotes.

Submissions (16):

CeGaT Center for Human Genetics Tuebingen
Classification: Likely benign. Last evaluated: 2026-08-01. Review status: criteria provided, single submitter. Criteria: CeGaT Center For Human Genetics Tuebingen Variant Classification Criteria Version 2. Collection method: clinical testing. Allele origin: germline. Affected: yes. Observed: 15 variant alleles.
Comment: RYR2: BP4, BS1

Labcorp Genetics (formerly Invitae), Labcorp
Classification: Benign for Catecholaminergic polymorphic ventricular tachycardia 1. Last evaluated: 2026-01-29. Review status: criteria provided, single submitter. Criteria: Invitae Variant Classification Sherloc (09022015). Collection method: clinical testing. Allele origin: germline.

Mayo Clinic Laboratories, Mayo Clinic
Classification: Likely benign. Last evaluated: 2025-10-20. Review status: criteria provided, single submitter. Criteria: ACMG Guidelines, 2015. Collection method: clinical testing. Allele origin: germline. Observed: 1 variant allele.
Comment: BS1, BP4, BP7

Molecular Diagnostic Laboratory for Inherited Cardiovascular Disease, Montreal Heart Institute
Classification: Likely benign. Last evaluated: 2025-04-09. Review status: criteria provided, single submitter. Criteria: ACMG Guidelines, 2015. Collection method: clinical testing. Allele origin: germline. Affected: no.

PreventionGenetics, part of Exact Sciences
Classification: Likely benign for RYR2-related condition. Last evaluated: 2025-03-17. Review status: criteria provided, single submitter. Criteria: ACMG Guidelines, 2015. Collection method: clinical testing. Allele origin: germline.
Comment: This variant is classified as likely benign based on ACMG/AMP sequence variant interpretation guidelines (Richards et al. 2015 PMID: 25741868, with internal and published modifications).

Blueprint Genetics
Classification: Likely benign. Last evaluated: 2024-11-19. Review status: criteria provided, single submitter. Criteria: ACMG Guidelines, 2015. Collection method: clinical testing. Allele origin: germline.

Women's Health and Genetics/Laboratory Corporation of America, LabCorp
Classification: Benign. Last evaluated: 2022-07-05. Review status: criteria provided, single submitter. Criteria: LabCorp Variant Classification Summary - May 2015. Collection method: clinical testing. Allele origin: germline.
Comment: Variant summary: RYR2 c.10231-5C>T alters a non-conserved nucleotide located close to a canonical splice site and therefore could affect mRNA splicing, leading to a significantly altered protein sequence. 4/4 computational tools predict no significant impact on normal splicing, however, these predictions have yet to be confirmed by functional studies. The variant allele was found at a frequency of 0.00054 in 226606 control chromosomes in the gnomAD database, including 1 homozygote. The observed variant frequency is approximately 16 fold of the estimated maximal expected allele frequency for a pathogenic variant in RYR2 causing Catecholaminergic Polymorphic Ventricular Tachycardia (3.4e-05), strongly suggesting that the variant is benign. To our knowledge, no occurrence of c.10231-5C>T in individuals affected with Catecholaminergic Polymorphic Ventricular Tachycardia and no experimental evidence demonstrating its impact on protein function have been reported. Five ClinVar submitters have assessed the variant since 2014: one classified the variant as VUS, three as likely benign, and one as benign. Based on the evidence outlined above, the variant was classified as benign.

ARUP Laboratories, Molecular Genetics and Genomics, ARUP Laboratories
Classification: Likely benign. Last evaluated: 2022-03-03. Review status: criteria provided, single submitter. Criteria: ARUP Molecular Germline Variant Investigation Process 2021. Collection method: clinical testing. Allele origin: germline.

Ambry Genetics
Classification: Likely benign for Cardiovascular phenotype. Last evaluated: 2019-09-12. Review status: criteria provided, single submitter. Criteria: Ambry Variant Classification Scheme 2023. Collection method: clinical testing. Allele origin: germline.

Color Diagnostics, LLC DBA Color Health
Classification: Likely benign for Cardiomyopathy. Last evaluated: 2018-07-02. Review status: criteria provided, single submitter. Criteria: ACMG Guidelines, 2015. Collection method: clinical testing. Allele origin: germline.

Illumina Laboratory Services, Illumina
Classification: Likely benign for Catecholaminergic polymorphic ventricular tachycardia 1. Last evaluated: 2018-01-13. Review status: criteria provided, single submitter. Criteria: ICSL Variant Classification Criteria 13 December 2019. Collection method: clinical testing. Allele origin: germline.
Comment: This variant was observed in the ICSL laboratory as part of a predisposition screen in an ostensibly healthy population. It had not been previously curated by ICSL or reported in the Human Gene Mutation Database (HGMD: prior to June 1st, 2018), and was therefore a candidate for classification through an automated scoring system. Utilizing variant allele frequency, disease prevalence and penetrance estimates, and inheritance mode, an automated score was calculated to assess if this variant is too frequent to cause the disease. Based on the score and internal cut-off values, a variant classified as likely benign is not then subjected to further curation. The score for this variant resulted in a classification of likely benign for this disease.

Illumina Laboratory Services, Illumina
Classification: Uncertain significance for Catecholaminergic polymorphic ventricular tachycardia 1. Last evaluated: 2018-01-13. Review status: criteria provided, single submitter. Criteria: ICSL Variant Classification Criteria 13 December 2019. Collection method: clinical testing. Allele origin: germline.

Laboratory for Molecular Medicine, Mass General Brigham Personalized Medicine
Classification: Likely benign. Last evaluated: 2015-06-10. Review status: criteria provided, single submitter. Criteria: LMM Criteria. Collection method: clinical testing. Allele origin: germline. Observed: 1 variant allele.
Comment: c.10231-5C>T in intron 70 of RYR2: This variant is not expected to have clinica l significance because a C>T change at this position does not diverge from the s plice consensus sequence and is therefore unlikely to impact splicing. It has be en identified in 0.2% (7/3350) of Latino chromosomes and 0.1% (41/29276) of Euro pean chromosomes by the Exome Aggregation Consortium (ExAC; dbSNP rs186326951).

GeneDx
Classification: Benign. Last evaluated: 2014-02-07. Review status: criteria provided, single submitter. Criteria: GeneDx Variant Classification (06012015). Collection method: clinical testing. Allele origin: germline. Affected: yes.
Comment: This variant is considered likely benign or benign based on one or more of the following criteria: it is a conservative change, it occurs at a poorly conserved position in the protein, it is predicted to be benign by multiple in silico algorithms, and/or has population frequency not consistent with disease.

Clinical Genetics, Academic Medical Center
Classification: Benign. Review status: no assertion criteria provided. Collection method: clinical testing. Allele origin: germline. Affected: yes. Study: VKGL Data-share Consensus. Not counted in ClinVar's aggregate classification.

Genome Diagnostics Laboratory, University Medical Center Utrecht
Classification: Likely benign. Review status: no assertion criteria provided. Collection method: clinical testing. Allele origin: germline. Affected: yes. Study: VKGL Data-share Consensus. Not counted in ClinVar's aggregate classification.

NM_001035.3(RYR2):c.10231-5C>T

Gene: RYR2 (ryanodine receptor 2; plus strand). Cytogenetic location: 1q43.
Variant type: single nucleotide variant.
Coding change: c.10231-5C>T on transcript NM_001035.3 (MANE Select); 5 bases into the intron before coding-DNA position 10231, C replaced by T.
Molecular consequence: intron variant.
Genome position (GRCh38, 1-based): chr1:237,711,740, C>T. VCF-style: chr1-237711740-C-T. GRCh37 (hg19) VCF-style: chr1-237875040-C-T.
Other names: p.?.
Identifiers: ClinVar variation 138954 (VCV000138954.57), dbSNP rs186326951, ClinGen allele CA006571.
Genomic context (GRCh38, chr1:237,711,740, plus strand): 5'-GTAACCTCTAATTACAAAGACTTCTTTAAGTGGTTTTAACTGAAATTTCCTTTGCAACTT[C>T]TCAGAATTTCAAAAGAGAAGAGCAGAACTTCGTTGTACAGAATGAAATCAACAATATGTC-3'